The following is an entry in ClinVar:

ClinVar aggregate classification (germline): Conflicting classifications of pathogenicity. Review status: criteria provided, conflicting classifications (1 of 4 stars). 3 submissions from 3 submitters: Pathogenic (1); Uncertain significance (2). Last evaluated 2026-09-08.

Conditions:
Fabry disease. Also called: Ceramide trihexosidosis; GLA DEFICIENCY; HEREDITARY DYSTOPIC LIPIDOSIS; Angiokeratoma corporis diffusum; Fabry's disease; ALPHA-GALACTOSIDASE A DEFICIENCY. Identifiers: Orphanet 324, MedGen C0002986, MONDO:0010526, OMIM 301500, HP:0001071. Disease mechanism: Fabry disease is due to inactivating mutations in the X-linked GLA gene resulting in deficiency of the enzyme Alpha Galactosidase-A., loss of function.

Submissions (3):

Genomenon, Inc
Classification: Uncertain significance for Fabry disease. Last evaluated: 2026-09-08. Review status: criteria provided, single submitter. Criteria: Genomenon Sequence Variant Interpretation Standards - Updated. Collection method: curation. Allele origin: germline. Affected: yes.
Comment: GLA p.Tyr152del (c.454_456del) is an in-frame deletion that results in the loss of Tyrosine at codon 152. This variant has been observed in at least one proband with clinical features consistent with Fabry disease (PMID:33204599). Functional or patient cell studies have been reported (PMID:33204599). It is absent or not present at a significant frequency in gnomAD. In conclusion, we classify GLA p.Tyr152del (c.454_456del) as a variant of uncertain significance.

Labcorp Genetics (formerly Invitae), Labcorp
Classification: Pathogenic for Fabry disease. Last evaluated: 2024-08-06. Review status: criteria provided, single submitter. Criteria: Invitae Variant Classification Sherloc (09022015). Collection method: clinical testing. Allele origin: germline.
Comment: This variant, c.454_456del, results in the deletion of 1 amino acid(s) of the GLA protein (p.Tyr152del), but otherwise preserves the integrity of the reading frame. This variant is not present in population databases (gnomAD no frequency). This variant has not been reported in the literature in individuals affected with GLA-related conditions. ClinVar contains an entry for this variant (Variation ID: 1310420). This variant disrupts a region of the GLA protein in which other variant(s) (p.Tyr152Asp) have been determined to be pathogenic (Invitae). This suggests that this is a clinically significant region of the protein, and that variants that disrupt it are likely to be disease-causing. For these reasons, this variant has been classified as Pathogenic.

GeneDx
Classification: Uncertain significance. Last evaluated: 2019-11-20. Review status: criteria provided, single submitter. Criteria: GeneDx Variant Classification Process June 2021. Collection method: clinical testing. Allele origin: germline. Affected: yes.
Comment: Has not been previously published as pathogenic or benign to our knowledge; Not observed in large population cohorts (Lek et al., 2016); In-frame deletion of one amino acid in a non-repeat region; In silico analysis, which includes protein predictors and evolutionary conservation, supports a deleterious effect; This variant is associated with the following publications: (PMID: 33204599)

Literature cited by the submitters: PubMed 33204599 (cited by Genomenon, Inc).

NM_000169.3(GLA):c.451TAC[1] (p.Tyr152del)

Genes: GLA (galactosidase alpha; minus strand), RPL36A-HNRNPH2 (RPL36A-HNRNPH2 readthrough; plus strand). Cytogenetic location: Xq22.1.
Variant type: Microsatellite.
Coding change: c.451TAC[1] on transcript NM_000169.3 (MANE Select); one copy of the 3-base unit TAC starting at c.451; the reference has two copies in a row; one copy, 3 bases deleted; also written c.454_456del.
Protein change: p.Tyr152del; deletes tyrosine 152.
Molecular consequence: inframe deletion. On other transcripts: inframe indel (2), non-coding transcript variant (3), intron variant (2).
Genome position (GRCh38, 1-based): chrX:101,401,723-101,401,725, GTA deleted on the plus strand (TAC on the coding strand, the reverse complement: GLA is on the minus strand); deleting any 3 consecutive bases within chrX:101,401,723-101,401,728 gives the same sequence; the position shown is the placement nearest the transcript's 3' end. VCF-style (leftmost placement, unchanged base first): chrX-101401722-CGTA-C. GRCh37 (hg19) VCF-style: chrX-100656710-CGTA-C.
Other names: c.454_456del (NM_000169.2, NM_000169.3); c.451_453TAC[1], p.Tyr152del (NM_000169.2); c.574TAC[1], p.Tyr193del (NM_001406747.1, NM_001406749.1); c.451TAC[1], p.Tyr152del (NM_001406748.1); c.300+6269_300+6271del (NM_001199973.2); c.177+9904_177+9906del (NM_001199974.2); short protein forms Y152del, Y193del.
Identifiers: ClinVar variation 1310420 (VCV001310420.9), dbSNP rs2147477618, ClinGen allele CA2580612271.
Genomic context (GRCh38, chrX:101,401,722, plus strand): 5'-AACAACCATCAAATTTTAGCAGATCTACTCCCCAGTCAGCAAAGGTCTGGGCATCAATGT[CGTA>C]GTATCCAAAACTCCCAGGGAAGCCTGCGCAGGTTTTATTTCCAACATCTGCATAAATCCC-3'